The following is an entry in ClinVar:

NM_002585.4(PBX1):c.314T>A (p.Leu105Gln)

Gene: PBX1 (PBX homeobox 1; plus strand). Cytogenetic location: 1q23.3.
Variant type: single nucleotide variant.
Coding change: c.314T>A on transcript NM_002585.4 (MANE Select); coding-DNA position 314, T replaced by A.
Protein change: p.Leu105Gln; replaces leucine 105 with glutamine.
Molecular consequence: missense variant.
Genome position (GRCh38, 1-based): chr1:164,792,542, T>A. VCF-style: chr1-164792542-T-A. GRCh37 (hg19) VCF-style: chr1-164761779-T-A.
Other names: c.314T>A, p.Leu105Gln (NM_001204961.2, NM_001204963.2, NM_001353131.2); c.65T>A, p.Leu22Gln (NM_001353130.1); short protein forms L105Q, L22Q.
Identifiers: ClinVar variation 2633093 (VCV002633093.1), dbSNP rs2526764149, ClinGen allele CA343469734.

ClinVar aggregate classification (germline): Uncertain significance (1 of 4 stars; one submission).

Conditions:
PBX1-related disorder. Also called: PBX1-related condition.

Submission:

PreventionGenetics, part of Exact Sciences
Classification: Uncertain significance for PBX1-related condition. Last evaluated: 2023-05-26. Review status: criteria provided, single submitter. Criteria: ACMG Guidelines, 2015. Collection method: clinical testing. Allele origin: germline.
Comment: The PBX1 c.314T>A variant is predicted to result in the amino acid substitution p.Leu105Gln. To our knowledge, this variant has not been reported in the literature or in a large population database, indicating this variant is rare. At this time, the clinical significance of this variant is uncertain due to the absence of conclusive functional and genetic evidence.